The following is an entry in ClinVar:

ClinVar aggregate classification (germline): Uncertain significance (1 of 4 stars; one submission).

Submission:

Labcorp Genetics (formerly Invitae), Labcorp
Classification: Uncertain significance. Last evaluated: 2024-01-29. Review status: criteria provided, single submitter. Criteria: Invitae Variant Classification Sherloc (09022015). Collection method: clinical testing. Allele origin: germline.
Comment: This sequence change replaces valine, which is neutral and non-polar, with leucine, which is neutral and non-polar, at codon 430 of the CARD8 protein (p.Val430Leu). This variant is not present in population databases (gnomAD no frequency). This variant has not been reported in the literature in individuals affected with CARD8-related conditions. An algorithm developed to predict the effect of missense changes on protein structure and function (PolyPhen-2) suggests that this variant is likely to be disruptive. In summary, the available evidence is currently insufficient to determine the role of this variant in disease. Therefore, it has been classified as a Variant of Uncertain Significance.

NM_001184900.3(CARD8):c.1438G>C (p.Val480Leu)

Gene: CARD8 (caspase recruitment domain family member 8; minus strand). Cytogenetic location: 19q13.33.
Variant type: single nucleotide variant.
Coding change: c.1438G>C on transcript NM_001184900.3 (MANE Select); coding-DNA position 1438, G replaced by C.
Protein change: p.Val480Leu; replaces valine 480 with leucine.
Molecular consequence: missense variant. On other transcripts: 3 prime UTR variant (7), non-coding transcript variant (3), intron variant (1).
Genome position (GRCh38, 1-based): chr19:48,211,886, C>G on the plus strand (G>C on the coding strand, the complement: CARD8 is on the minus strand). VCF-style: chr19-48211886-C-G. GRCh37 (hg19) VCF-style: chr19-48715143-C-G.
Other names: c.1288G>C, p.Val430Leu (NM_001184901.1, NM_001351783.2, NM_014959.5); c.*117G>C (NM_001184902.2, NM_001184903.1, NM_001351788.2 and 4 more transcripts); c.1438G>C, p.Val480Leu (NM_001351782.2); c.1123G>C, p.Val375Leu (NM_001351784.2); c.1102G>C, p.Val368Leu (NM_001351786.2); c.1120G>C, p.Val374Leu (NM_001365950.1); c.613G>C, p.Val205Leu (NM_001426741.1); c.1033+3454G>C (NM_001351787.2); short protein forms V375L, V430L, V205L, V368L, V374L, V480L.
Identifiers: ClinVar variation 2714157 (VCV002714157.3), dbSNP rs2038043963, ClinGen allele CA406663283.